The following is an entry in ClinVar:

ClinVar aggregate classification (germline): Likely benign (1 of 4 stars; one submission).

Allele frequency attached by ClinVar (database versions not stated): gnomAD 0.00012; gnomAD exomes 0.00013.
gnomAD v4.1: 192 of 1,465,058 alleles (0.013%); highest among the groups gnomAD compares: Middle Eastern, 0.046%; no homozygotes.

Submission:

CeGaT Center for Human Genetics Tuebingen
Classification: Likely benign. Last evaluated: 2026-03-01. Review status: criteria provided, single submitter. Criteria: CeGaT Center For Human Genetics Tuebingen Variant Classification Criteria Version 2. Collection method: clinical testing. Allele origin: germline. Affected: yes. Observed: 8 variant alleles.
Comment: ATXN2: BP4, BP7

NM_001372574.1(ATXN2):c.48G>A (p.Gln16=)

Genes: ATXN2 (ataxin 2; minus strand), LOC130008791 (ATAC-STARR-seq lymphoblastoid silent region 4872; plus strand). Cytogenetic location: 12q24.12.
Variant type: single nucleotide variant.
Coding change: c.48G>A on transcript NM_001372574.1 (MANE Select); coding-DNA position 48, G replaced by A.
Protein change: p.Gln16=; no amino-acid change (glutamine 16 retained).
Molecular consequence: synonymous variant. On other transcripts: non-coding transcript variant (1), intron variant (2).
Genome position (GRCh38, 1-based): chr12:111,598,987, C>T on the plus strand (G>A on the coding strand, the complement: ATXN2 is on the minus strand). VCF-style: chr12-111598987-C-T. GRCh37 (hg19) VCF-style: chr12-112036791-C-T.
Other names: c.48G>A, p.Gln16= (NM_002973.4); c.-28+588G>A (NM_001310123.1); c.-65+588G>A (NM_001310121.1).
Identifiers: ClinVar variation 2643328 (VCV002643328.24), dbSNP rs1180787672, ClinGen allele CA481873321.